The following is an entry in ClinVar:

ClinVar aggregate classification (germline): Uncertain significance (1 of 4 stars; one submission).

Conditions:
Developmental and epileptic encephalopathy, 8 (DEE8). Also called: HYPEREKPLEXIA AND EPILEPSY. Identifiers: Orphanet 163985, Orphanet 2076, MedGen C1845102, MONDO:0010375, OMIM 300607.

Submission:

Labcorp Genetics (formerly Invitae), Labcorp
Classification: Uncertain significance for Developmental and epileptic encephalopathy, 8. Last evaluated: 2025-02-24. Review status: criteria provided, single submitter. Criteria: Invitae Variant Classification Sherloc (09022015). Collection method: clinical testing. Allele origin: germline.
Comment: This sequence change creates a premature translational stop signal (p.Trp505*) in the ARHGEF9 gene. While this is not anticipated to result in nonsense mediated decay, it is expected to disrupt the last 12 amino acid(s) of the ARHGEF9 protein. This variant is not present in population databases (gnomAD no frequency). This variant has not been reported in the literature in individuals affected with ARHGEF9-related conditions. ClinVar contains an entry for this variant (Variation ID: 533661). Experimental studies and prediction algorithms are not available or were not evaluated, and the functional significance of this variant is currently unknown. In summary, the available evidence is currently insufficient to determine the role of this variant in disease. Therefore, it has been classified as a Variant of Uncertain Significance.

NM_001353921.2(ARHGEF9):c.1536G>A (p.Trp512Ter)

Gene: ARHGEF9 (Cdc42 guanine nucleotide exchange factor 9; minus strand). Cytogenetic location: Xq11.1.
Variant type: single nucleotide variant.
Coding change: c.1536G>A on transcript NM_001353921.2 (MANE Select); coding-DNA position 1536, G replaced by A.
Protein change: p.Trp512Ter; replaces tryptophan 512 with a stop codon.
Molecular consequence: nonsense. On other transcripts: 3 prime UTR variant (2).
Genome position (GRCh38, 1-based): chrX:63,638,064, C>T on the plus strand (G>A on the coding strand, the complement: ARHGEF9 is on the minus strand). VCF-style: chrX-63638064-C-T. GRCh37 (hg19) VCF-style: chrX-62857944-C-T.
Other names: c.1356G>A, p.Trp452Ter (NM_001173479.2); c.1209G>A, p.Trp403Ter (NM_001173480.2, NM_001369042.1); c.1452G>A, p.Trp484Ter (NM_001330495.2, NM_001369033.1, NM_001369034.1 and 4 more transcripts); c.1404G>A, p.Trp468Ter (NM_001353922.2); c.1554G>A, p.Trp518Ter (NM_001353923.1); c.1335G>A, p.Trp445Ter (NM_001353924.2, NM_001353926.2, NM_001369039.1 and 1 more transcripts); c.1320G>A, p.Trp440Ter (NM_001353927.2, NM_001369041.1); c.1383G>A, p.Trp461Ter (NM_001353928.2); and 3 more; short protein forms W505*, W403*, W440*, W518*, W323*, W452*, W461*, W468*.
Identifiers: ClinVar variation 533661 (VCV000533661.9), dbSNP rs1556300769, ClinGen allele CA413401015.